The following is an entry in ClinVar:

ClinVar aggregate classification (germline): Pathogenic (1 of 4 stars; one submission).

Conditions:
Galactosylceramide beta-galactosidase deficiency. Also called: GALACTOCEREBROSIDASE DEFICIENCY; GALC DEFICIENCY; GLOBOID CELL LEUKOENCEPHALOPATHY; Leukodystrophy, Globoid Cell; Krabbe Disease. Identifiers: Orphanet 487, MedGen C0023521, MONDO:0009499, OMIM 245200.

Submission:

Labcorp Genetics (formerly Invitae), Labcorp
Classification: Pathogenic for Galactosylceramide beta-galactosidase deficiency. Last evaluated: 2023-04-15. Review status: criteria provided, single submitter. Criteria: Invitae Variant Classification Sherloc (09022015). Collection method: clinical testing. Allele origin: unknown.
Comment: A gross deletion of the genomic region encompassing the full coding sequence of the GALC gene has been identified. Loss-of-function variants in GALC are known to be pathogenic (PMID: 7437911, 9272171, 16607461). The boundaries of this event are unknown as they extend beyond the assayed region for this gene and therefore may encompass additional genes. For these reasons, this variant has been classified as Pathogenic. This variant has not been reported in the literature in individuals affected with GALC-related conditions.

Literature cited by the submitters: PubMed 7437911; PubMed 9272171; PubMed 16607461.

NC_000014.8:g.(?_88401076)_(88459508_?)del

Gene: GALC (galactosylceramidase; minus strand). Cytogenetic location: 14q31.3.
Variant type: Deletion.
Identifiers: ClinVar variation 3243945 (VCV003243945.1).